The following is an entry in ClinVar:

NM_031935.3(HMCN1):c.5126A>T (p.Gln1709Leu)

Gene: HMCN1 (hemicentin 1; plus strand). Cytogenetic location: 1q31.1.
Variant type: single nucleotide variant.
Coding change: c.5126A>T on transcript NM_031935.3 (MANE Select); coding-DNA position 5126, A replaced by T.
Protein change: p.Gln1709Leu; replaces glutamine 1709 with leucine.
Molecular consequence: missense variant.
Genome position (GRCh38, 1-based): chr1:186,016,174, A>T. VCF-style: chr1-186016174-A-T. GRCh37 (hg19) VCF-style: chr1-185985306-A-T.
Other names: short protein forms Q1709L.
Identifiers: ClinVar variation 2989859 (VCV002989859.3), dbSNP rs2527529376, ClinGen allele CA343888676.

ClinVar aggregate classification (germline): Uncertain significance (1 of 4 stars; one submission).

Allele frequency attached by ClinVar (database versions not stated): gnomAD exomes below 0.00001.
gnomAD v4.1: 3 of 1,613,480 alleles (0.00019%); highest among the groups gnomAD compares: Non-Finnish European, 0.00017%; no homozygotes.

Submission:

Labcorp Genetics (formerly Invitae), Labcorp
Classification: Uncertain significance. Last evaluated: 2023-04-18. Review status: criteria provided, single submitter. Criteria: Invitae Variant Classification Sherloc (09022015). Collection method: clinical testing. Allele origin: germline.
Comment: In summary, the available evidence is currently insufficient to determine the role of this variant in disease. Therefore, it has been classified as a Variant of Uncertain Significance. An algorithm developed to predict the effect of missense changes on protein structure and function (PolyPhen-2) suggests that this variant is likely to be disruptive. This variant has not been reported in the literature in individuals affected with HMCN1-related conditions. This variant is not present in population databases (gnomAD no frequency). This sequence change replaces glutamine, which is neutral and polar, with leucine, which is neutral and non-polar, at codon 1709 of the HMCN1 protein (p.Gln1709Leu).